The following is an entry in ClinVar:

ClinVar aggregate classification (germline): Uncertain significance (1 of 4 stars; one submission).

Allele frequency attached by ClinVar (database versions not stated): TOPMed below 0.00001; ExAC 0.00001; gnomAD 0.00001; gnomAD exomes 0.00002 and 0.00003.
gnomAD v4.1: 17 of 1,613,954 alleles (0.0011%); highest among the groups gnomAD compares: Non-Finnish European, 0.0014%; no homozygotes.

Submission:

Labcorp Genetics (formerly Invitae), Labcorp
Classification: Uncertain significance. Last evaluated: 2024-10-22. Review status: criteria provided, single submitter. Criteria: Invitae Variant Classification Sherloc (09022015). Collection method: clinical testing. Allele origin: germline.
Comment: This sequence change replaces serine, which is neutral and polar, with alanine, which is neutral and non-polar, at codon 570 of the NBAS protein (p.Ser570Ala). This variant is present in population databases (rs754225760, gnomAD 0.004%). This variant has not been reported in the literature in individuals affected with NBAS-related conditions. ClinVar contains an entry for this variant (Variation ID: 1500359). Invitae Evidence Modeling of protein sequence and biophysical properties (such as structural, functional, and spatial information, amino acid conservation, physicochemical variation, residue mobility, and thermodynamic stability) indicates that this missense variant is not expected to disrupt NBAS protein function with a negative predictive value of 95%. In summary, the available evidence is currently insufficient to determine the role of this variant in disease. Therefore, it has been classified as a Variant of Uncertain Significance.

NM_015909.4(NBAS):c.1708T>G (p.Ser570Ala)

Gene: NBAS (NBAS subunit of NRZ tethering complex; minus strand). Cytogenetic location: 2p24.3.
Variant type: single nucleotide variant.
Coding change: c.1708T>G on transcript NM_015909.4 (MANE Select); coding-DNA position 1708, T replaced by G.
Protein change: p.Ser570Ala; replaces serine 570 with alanine.
Molecular consequence: missense variant. On other transcripts: non-coding transcript variant (1).
Genome position (GRCh38, 1-based): chr2:15,473,239, A>C on the plus strand (T>G on the coding strand, the complement: NBAS is on the minus strand). VCF-style: chr2-15473239-A-C. GRCh37 (hg19) VCF-style: chr2-15613363-A-C.
Other names: short protein forms S570A.
Identifiers: ClinVar variation 1500359 (VCV001500359.4), dbSNP rs754225760, ClinGen allele CA1536591.